The following is an entry in ClinVar:

NM_000092.5(COL4A4):c.4396T>C (p.Phe1466Leu)

Gene: COL4A4 (collagen type IV alpha 4 chain; minus strand). Cytogenetic location: 2q36.3.
Variant type: single nucleotide variant.
Coding change: c.4396T>C on transcript NM_000092.5 (MANE Select); coding-DNA position 4396, T replaced by C.
Protein change: p.Phe1466Leu; replaces phenylalanine 1466 with leucine.
Molecular consequence: missense variant.
Genome position (GRCh38, 1-based): chr2:227,010,439, A>G on the plus strand (T>C on the coding strand, the complement: COL4A4 is on the minus strand). VCF-style: chr2-227010439-A-G. GRCh37 (hg19) VCF-style: chr2-227875155-A-G.
Other names: short protein forms F1466L.
Identifiers: ClinVar variation 2866412 (VCV002866412.4), dbSNP rs2472679266, ClinGen allele CA350836240.

ClinVar aggregate classification (germline): Uncertain significance. Review status: criteria provided, multiple submitters, no conflicts (2 of 4 stars). 2 submissions from 2 submitters: Uncertain significance (2). Last evaluated 2024-11-21.

Conditions:
Inborn genetic diseases. Identifiers: MedGen C0950123, MeSH D030342.

Submissions (2):

Ambry Genetics
Classification: Uncertain significance for Inborn genetic diseases. Last evaluated: 2024-11-21. Review status: criteria provided, single submitter. Criteria: Ambry Variant Classification Scheme 2023. Collection method: clinical testing. Allele origin: germline.

Labcorp Genetics (formerly Invitae), Labcorp
Classification: Uncertain significance. Last evaluated: 2023-09-08. Review status: criteria provided, single submitter. Criteria: Invitae Variant Classification Sherloc (09022015). Collection method: clinical testing. Allele origin: germline.
Comment: This sequence change replaces phenylalanine, which is neutral and non-polar, with leucine, which is neutral and non-polar, at codon 1466 of the COL4A4 protein (p.Phe1466Leu). This variant is not present in population databases (gnomAD no frequency). This variant has not been reported in the literature in individuals affected with COL4A4-related conditions. Advanced modeling of protein sequence and biophysical properties (such as structural, functional, and spatial information, amino acid conservation, physicochemical variation, residue mobility, and thermodynamic stability) performed at Invitae indicates that this missense variant is not expected to disrupt COL4A4 protein function. In summary, the available evidence is currently insufficient to determine the role of this variant in disease. Therefore, it has been classified as a Variant of Uncertain Significance.